The following is an entry in ClinVar:

ClinVar aggregate classification (germline): Likely benign (0 of 4 stars; one submission).

Conditions:
EBF3-related disorder. Identifiers: MedGen CN239924.

Allele frequency attached by ClinVar (database versions not stated): gnomAD exomes below 0.00001; TOPMed below 0.00001; gnomAD 0.00001.
gnomAD v4.1: 5 of 1,587,924 alleles (0.00031%); highest among the groups gnomAD compares: African/African-American, 0.0067%; no homozygotes.

Submission:

PreventionGenetics, part of Exact Sciences
Classification: Likely benign for EBF3-related condition. Last evaluated: 2019-04-10. Review status: no assertion criteria provided. Collection method: clinical testing. Allele origin: germline.
Comment: This variant is classified as likely benign based on ACMG/AMP sequence variant interpretation guidelines (Richards et al. 2015 PMID: 25741868, with internal and published modifications).

NM_001375380.1(EBF3):c.687A>C (p.Ser229=)

Gene: EBF3 (EBF transcription factor 3; minus strand). Cytogenetic location: 10q26.3.
Variant type: single nucleotide variant.
Coding change: c.687A>C on transcript NM_001375380.1 (MANE Select); coding-DNA position 687, A replaced by C.
Protein change: p.Ser229=; no amino-acid change (serine 229 retained).
Molecular consequence: synonymous variant.
Genome position (GRCh38, 1-based): chr10:129,873,546, T>G on the plus strand (A>C on the coding strand, the complement: EBF3 is on the minus strand). VCF-style: chr10-129873546-T-G. GRCh37 (hg19) VCF-style: chr10-131671810-T-G.
Other names: c.687A>C, p.Ser229= (NM_001005463.3, NM_001375379.1, NM_001375389.1 and 3 more transcripts).
Identifiers: ClinVar variation 3058641 (VCV003058641.2), dbSNP rs1329847799, ClinGen allele CA471931978.